The following is an entry in ClinVar:

ClinVar aggregate classification (germline): Uncertain significance (1 of 4 stars; one submission).

Conditions:
Inborn genetic diseases. Identifiers: MedGen C0950123, MeSH D030342.

Submission:

Ambry Genetics
Classification: Uncertain significance for Inborn genetic diseases. Last evaluated: 2025-04-18. Review status: criteria provided, single submitter. Criteria: Ambry Variant Classification Scheme 2023. Collection method: clinical testing. Allele origin: germline.
Comment: The p.E1202K variant (also known as c.3604G>A), located in coding exon 1 of the SAMD9 gene, results from a G to A substitution at nucleotide position 3604. The glutamic acid at codon 1202 is replaced by lysine, an amino acid with similar properties. This amino acid position is conserved. In addition, this alteration is predicted to be tolerated by in silico analysis. Based on the available evidence, the clinical significance of this variant remains unclear.

NM_017654.4(SAMD9):c.3604G>A (p.Glu1202Lys)

Gene: SAMD9 (sterile alpha motif domain containing 9; minus strand). Cytogenetic location: 7q21.2.
Variant type: single nucleotide variant.
Coding change: c.3604G>A on transcript NM_017654.4 (MANE Select); coding-DNA position 3604, G replaced by A.
Protein change: p.Glu1202Lys; replaces glutamic acid 1202 with lysine.
Molecular consequence: missense variant.
Genome position (GRCh38, 1-based): chr7:93,102,494, C>T on the plus strand (G>A on the coding strand, the complement: SAMD9 is on the minus strand). VCF-style: chr7-93102494-C-T. GRCh37 (hg19) VCF-style: chr7-92731807-C-T.
Other names: c.3604G>A, p.Glu1202Lys (NM_001193307.2); short protein forms E1202K.
Identifiers: ClinVar variation 3949566 (VCV003949566.1).